The following is an entry in ClinVar:

NM_024675.4(PALB2):c.924T>C (p.Ala308=)

Gene: PALB2 (partner and localizer of BRCA2; minus strand). Cytogenetic location: 16p12.2.
Variant type: single nucleotide variant.
Coding change: c.924T>C on transcript NM_024675.4 (MANE Select); coding-DNA position 924, T replaced by C.
Protein change: p.Ala308=; no amino-acid change (alanine 308 retained).
Molecular consequence: synonymous variant.
Genome position (GRCh38, 1-based): chr16:23,635,622, A>G on the plus strand (T>C on the coding strand, the complement: PALB2 is on the minus strand). VCF-style: chr16-23635622-A-G. GRCh37 (hg19) VCF-style: chr16-23646943-A-G.
Other names: c.924T>C (NM_024675.3).
Identifiers: ClinVar variation 1128326 (VCV001128326.12), dbSNP rs2142430881, ClinGen allele CA494461937.

ClinVar aggregate classification (germline): Benign/Likely benign. Review status: criteria provided, multiple submitters, no conflicts (2 of 4 stars). 3 submissions from 3 submitters: Benign (1); Likely benign (2). Last evaluated 2025-01-10.

Conditions:
Hereditary cancer-predisposing syndrome. Also called: Hereditary neoplastic syndrome; Hereditary Cancer Syndrome; Tumor predisposition; Neoplastic Syndromes, Hereditary. Identifiers: Orphanet 140162, MedGen C0027672, MeSH D009386, MONDO:0015356.
Familial cancer of breast. Also called: BREAST CANCER, FAMILIAL; hereditary breast carcinoma; Hereditary breast cancer. Identifiers: Orphanet 227535, MedGen C0346153, MONDO:0016419, OMIM 114480. Disease mechanism: loss of function.

Submissions (3):

Myriad Genetics, Inc.
Classification: Benign for Familial cancer of breast. Last evaluated: 2025-01-10. Review status: criteria provided, single submitter. Criteria: Myriad Autosomal Dominant, Autosomal Recessive and X-Linked Classification Criteria (2023). Collection method: clinical testing. Allele origin: unknown.
Comment: This variant is considered benign. This variant is a silent/synonymous amino acid change and it is not expected to impact splicing.

Ambry Genetics
Classification: Likely benign for Hereditary cancer-predisposing syndrome. Last evaluated: 2024-03-13. Review status: criteria provided, single submitter. Criteria: Ambry Variant Classification Scheme 2023. Collection method: clinical testing. Allele origin: germline.

Labcorp Genetics (formerly Invitae), Labcorp
Classification: Likely benign for Familial cancer of breast. Last evaluated: 2019-10-23. Review status: criteria provided, single submitter. Criteria: Invitae Variant Classification Sherloc (09022015). Collection method: clinical testing. Allele origin: germline.